The following is an entry in ClinVar:

NM_002017.5(FLI1):c.1123G>C (p.Glu375Gln)

Gene: FLI1 (Fli-1 proto-oncogene, ETS transcription factor; plus strand). Cytogenetic location: 11q24.3.
Variant type: single nucleotide variant.
Coding change: c.1123G>C on transcript NM_002017.5 (MANE Select); coding-DNA position 1123, G replaced by C.
Protein change: p.Glu375Gln; replaces glutamic acid 375 with glutamine.
Molecular consequence: missense variant.
Genome position (GRCh38, 1-based): chr11:128,810,752, G>C. VCF-style: chr11-128810752-G-C. GRCh37 (hg19) VCF-style: chr11-128680647-G-C.
Other names: c.1024G>C, p.Glu342Gln (NM_001167681.3, NM_001440369.1, NM_001440370.1 and 1 more transcripts); c.925G>C, p.Glu309Gln (NM_001271010.2); c.544G>C, p.Glu182Gln (NM_001271012.2); c.997G>C, p.Glu333Gln (NM_001440372.1); short protein forms E375Q, E309Q, E342Q, E182Q, E333Q.
Identifiers: ClinVar variation 4764450 (VCV004764450.1).

ClinVar aggregate classification (germline): Uncertain significance (1 of 4 stars; one submission).

Submission:

Labcorp Genetics (formerly Invitae), Labcorp
Classification: Uncertain significance. Last evaluated: 2025-11-23. Review status: criteria provided, single submitter. Criteria: Invitae Variant Classification Sherloc (09022015). Collection method: clinical testing. Allele origin: germline.
Comment: This sequence change replaces glutamic acid, which is acidic and polar, with glutamine, which is neutral and polar, at codon 375 of the FLI1 protein (p.Glu375Gln). This variant is not present in population databases (gnomAD no frequency). This variant has not been reported in the literature in individuals affected with FLI1-related conditions. Invitae Evidence Modeling of protein sequence and biophysical properties (such as structural, functional, and spatial information, amino acid conservation, physicochemical variation, residue mobility, and thermodynamic stability) indicates that this missense variant is not expected to disrupt FLI1 protein function with a negative predictive value of 80%. In summary, the available evidence is currently insufficient to determine the role of this variant in disease. Therefore, it has been classified as a Variant of Uncertain Significance.